The following is an entry in ClinVar:

NM_004006.3(DMD):c.2227C>T (p.Gln743Ter)

Gene: DMD (dystrophin; minus strand). Cytogenetic location: Xp21.1.
Variant type: single nucleotide variant.
Coding change: c.2227C>T on transcript NM_004006.3 (MANE Select); coding-DNA position 2227, C replaced by T.
Protein change: p.Gln743Ter; replaces glutamine 743 with a stop codon.
Molecular consequence: nonsense.
Genome position (GRCh38, 1-based): chrX:32,518,073, G>A on the plus strand (C>T on the coding strand, the complement: DMD is on the minus strand). VCF-style: chrX-32518073-G-A. GRCh37 (hg19) VCF-style: chrX-32536190-G-A.
Other names: c.2203C>T, p.Gln735Ter (NM_000109.4); c.2215C>T, p.Gln739Ter (NM_004009.3); c.1858C>T, p.Gln620Ter (NM_004010.3); short protein forms Q735*, Q743*, Q739*, Q620*.
Identifiers: ClinVar variation 848438 (VCV000848438.12), dbSNP rs2046036327, ClinGen allele CA412663931.

ClinVar aggregate classification (germline): Pathogenic. Review status: criteria provided, multiple submitters, no conflicts (2 of 4 stars). 3 submissions from 3 submitters: Pathogenic (3). Last evaluated 2023-08-10.

Conditions:
Duchenne muscular dystrophy (DMD). Also called: Duchenne Muscular Dystrophy (DMD); MUSCULAR DYSTROPHY, PSEUDOHYPERTROPHIC PROGRESSIVE, DUCHENNE TYPE. Identifiers: Orphanet 98896, MedGen C0013264, MONDO:0010679, OMIM 310200.

Submissions (3):

Labcorp Genetics (formerly Invitae), Labcorp
Classification: Pathogenic for Duchenne muscular dystrophy. Last evaluated: 2023-08-10. Review status: criteria provided, single submitter. Criteria: Invitae Variant Classification Sherloc (09022015). Collection method: clinical testing. Allele origin: germline.
Comment: For these reasons, this variant has been classified as Pathogenic. ClinVar contains an entry for this variant (Variation ID: 848438). This premature translational stop signal has been observed in individuals with Duchenne muscular dystrophy (PMID: 23536893, 24892813). This variant is not present in population databases (gnomAD no frequency). This sequence change creates a premature translational stop signal (p.Gln743*) in the DMD gene. It is expected to result in an absent or disrupted protein product. Loss-of-function variants in DMD are known to be pathogenic (PMID: 16770791, 25007885).

GeneDx
Classification: Pathogenic. Last evaluated: 2023-01-07. Review status: criteria provided, single submitter. Criteria: GeneDx Variant Classification Process June 2021. Collection method: clinical testing. Allele origin: germline. Affected: yes.
Comment: Nonsense variant predicted to result in protein truncation or nonsense mediated decay in a gene for which loss of function is a known mechanism of disease; Not observed at significant frequency in large population cohorts (gnomAD); This variant is associated with the following publications: (PMID: 26968818, 24892813, 23536893)

Revvity Omics, Revvity
Classification: Pathogenic. Last evaluated: 2023-01-03. Review status: criteria provided, single submitter. Criteria: ACMG Guidelines, 2015. Collection method: clinical testing. Allele origin: germline.

Literature cited by the submitters: PubMed 23536893 (cited by Labcorp Genetics (formerly Invitae), Labcorp); PubMed 24892813 (cited by Labcorp Genetics (formerly Invitae), Labcorp); PubMed 16770791 (cited by Labcorp Genetics (formerly Invitae), Labcorp); PubMed 25007885 (cited by Labcorp Genetics (formerly Invitae), Labcorp).